The following is an entry in ClinVar:

ClinVar aggregate classification (germline): Pathogenic (1 of 4 stars; one submission).

Conditions:
Multiple sulfatase deficiency (MSD). Also called: Mucosulfatidosis; Multiple Sulfatase Deficiency Disease; Sulfatidosis, Juvenile, Austin Type. Identifiers: Orphanet 585, MedGen C0268263, MONDO:0010088, OMIM 272200.

Submission:

Labcorp Genetics (formerly Invitae), Labcorp
Classification: Pathogenic for Multiple sulfatase deficiency. Last evaluated: 2024-01-16. Review status: criteria provided, single submitter. Criteria: Invitae Variant Classification Sherloc (09022015). Collection method: clinical testing. Allele origin: unknown.
Comment: This variant is a gross deletion of the genomic region encompassing exon(s) 9 of the SUMF1 gene, which includes the termination codon. This deletion extends beyond the assayed region for this gene and therefore may encompass additional genes. While this deletion is not anticipated to lead to nonsense mediated decay, it is expected to alter mRNA translation or result in a truncated protein product. This variant has not been reported in the literature in individuals affected with SUMF1-related conditions. This variant disrupts a region of the SUMF1 protein in which other variant(s) (p.Arg349Trp) have been determined to be pathogenic (PMID: 15146462, 25373814, 25885655). This suggests that this is a clinically significant region of the protein, and that variants that disrupt it are likely to be disease-causing. For these reasons, this variant has been classified as Pathogenic.

Literature cited by the submitters: PubMed 15146462; PubMed 25373814; PubMed 25885655.

NC_000003.11:g.(?_4403828)_(4403958_?)del

Gene: SUMF1 (sulfatase modifying factor 1; minus strand). Cytogenetic location: 3p26.1.
Variant type: Deletion.
Identifiers: ClinVar variation 3246849 (VCV003246849.1).